The following is an entry in ClinVar:

ClinVar aggregate classification (germline): Uncertain significance. Review status: criteria provided, multiple submitters, no conflicts (2 of 4 stars). 5 submissions from 5 submitters: Uncertain significance (5). Last evaluated 2025-08-21.

Conditions:
Familial adenomatous polyposis 1 (FAP1). Also called: POLYPOSIS, ADENOMATOUS INTESTINAL; FAMILIAL ADENOMATOUS POLYPOSIS 1, ATTENUATED. Identifiers: MedGen C2713442, MONDO:0021056, OMIM 175100. Disease mechanism: loss of function.
Hereditary cancer-predisposing syndrome. Also called: Hereditary Cancer Syndrome; Neoplastic Syndromes, Hereditary; Tumor predisposition; Hereditary neoplastic syndrome. Identifiers: Orphanet 140162, MedGen C0027672, MeSH D009386, MONDO:0015356.
Classic or attenuated familial adenomatous polyposis. Identifiers: MedGen CN372698, MONDO:0021057.

Allele frequency attached by ClinVar (database versions not stated): ExAC 0.00001; gnomAD 0.00001; gnomAD exomes 0.00001.
gnomAD v4.1: 6 of 1,613,804 alleles (0.00037%); highest among the groups gnomAD compares: Admixed American, 0.0017%; no homozygotes.

Submissions (5):

Ambry Genetics
Classification: Uncertain significance for Hereditary cancer-predisposing syndrome. Last evaluated: 2025-08-21. Review status: criteria provided, single submitter. Criteria: Ambry Variant Classification Scheme 2023. Collection method: clinical testing. Allele origin: germline.

Labcorp Genetics (formerly Invitae), Labcorp
Classification: Uncertain significance for Familial adenomatous polyposis 1. Last evaluated: 2025-08-05. Review status: criteria provided, single submitter. Criteria: Invitae Variant Classification Sherloc (09022015). Collection method: clinical testing. Allele origin: germline.
Comment: This sequence change replaces serine, which is neutral and polar, with asparagine, which is neutral and polar, at codon 1896 of the APC protein (p.Ser1896Asn). This variant is present in population databases (rs751088165, gnomAD 0.002%). This variant has not been reported in the literature in individuals affected with APC-related conditions. ClinVar contains an entry for this variant (Variation ID: 490315). Invitae Evidence Modeling of protein sequence and biophysical properties (such as structural, functional, and spatial information, amino acid conservation, physicochemical variation, residue mobility, and thermodynamic stability) indicates that this missense variant is not expected to disrupt APC protein function with a negative predictive value of 95%. In summary, the available evidence is currently insufficient to determine the role of this variant in disease. Therefore, it has been classified as a Variant of Uncertain Significance.

All of Us Research Program, National Institutes of Health
Classification: Uncertain significance for Classic or attenuated familial adenomatous polyposis. Last evaluated: 2023-11-28. Review status: criteria provided, single submitter. Criteria: ACMG Guidelines, 2015. Collection method: clinical testing. Allele origin: germline. Inheritance: Autosomal dominant inheritance. Observed: 2 variant alleles, 2 heterozygotes.
Comment: This missense variant replaces serine with asparagine at codon 1896 of the APC protein. Computational prediction suggests that this variant may not impact protein structure and function (internally defined REVEL score threshold <= 0.5, PMID: 27666373). To our knowledge, functional studies have not been reported for this variant. This variant has not been reported in individuals affected with hereditary cancer in the literature. This variant has been identified in 2/250926 chromosomes in the general population by the Genome Aggregation Database (gnomAD). The available evidence is insufficient to determine the role of this variant in disease conclusively. Therefore, this variant is classified as a Variant of Uncertain Significance.

This study involves interpretation of variants in research participants for the purpose of population health screening. Participant phenotype was not available at the time of variant classification. Additional details can be found in publication PMID: 35346344, PMCID: PMC8962531

Color Diagnostics, LLC DBA Color Health
Classification: Uncertain significance for Hereditary cancer-predisposing syndrome. Last evaluated: 2023-03-30. Review status: criteria provided, single submitter. Criteria: ACMG Guidelines, 2015. Collection method: clinical testing. Allele origin: germline.
Comment: This missense variant replaces serine with asparagine at codon 1896 of the APC protein. Computational prediction suggests that this variant may not impact protein structure and function (internally defined REVEL score threshold <= 0.5, PMID: 27666373). To our knowledge, functional studies have not been reported for this variant. This variant has not been reported in individuals affected with APC-related disorders in the literature. This variant has been identified in 2/250926 chromosomes in the general population by the Genome Aggregation Database (gnomAD). The available evidence is insufficient to determine the role of this variant in disease conclusively. Therefore, this variant is classified as a Variant of Uncertain Significance.

PreventionGenetics, part of Exact Sciences
Classification: Uncertain significance. Last evaluated: 2017-03-27. Review status: criteria provided, single submitter. Criteria: ACMG Guidelines, 2015. Collection method: clinical testing. Allele origin: germline.

NM_000038.6(APC):c.5687G>A (p.Ser1896Asn)

Gene: APC (APC regulator of Wnt signaling pathway; plus strand). Cytogenetic location: 5q22.2.
Variant type: single nucleotide variant.
Coding change: c.5687G>A on transcript NM_000038.6 (MANE Select); coding-DNA position 5687, G replaced by A.
Protein change: p.Ser1896Asn; replaces serine 1896 with asparagine.
Molecular consequence: missense variant.
Genome position (GRCh38, 1-based): chr5:112,841,281, G>A. VCF-style: chr5-112841281-G-A. GRCh37 (hg19) VCF-style: chr5-112176978-G-A.
Other names: c.5687G>A, p.Ser1896Asn (NM_001127510.3, NM_001354895.2); c.5633G>A, p.Ser1878Asn (NM_001127511.3); c.5741G>A, p.Ser1914Asn (NM_001354896.2); c.5717G>A, p.Ser1906Asn (NM_001354897.2); c.5612G>A, p.Ser1871Asn (NM_001354898.2); c.5603G>A, p.Ser1868Asn (NM_001354899.2); c.5564G>A, p.Ser1855Asn (NM_001354900.2); c.5510G>A, p.Ser1837Asn (NM_001354901.2); and 5 more; short protein forms S1878N, S1896N, S1837N, S1613N, S1770N, S1868N, S1871N, S1795N.
Identifiers: ClinVar variation 490315 (VCV000490315.23), dbSNP rs751088165, ClinGen allele CA042651.